The following is an entry in ClinVar:

ClinVar aggregate classification (germline): Uncertain significance. Review status: criteria provided, multiple submitters, no conflicts (2 of 4 stars). 6 submissions from 6 submitters: Uncertain significance (6). Last evaluated 2026-05-07.

Conditions:
TTN-related disorder. Also called: TTN-related condition; TTN-related disease; TTN-related disorders.
Autosomal recessive limb-girdle muscular dystrophy type 2J (LGMDR10). Also called: Limb-girdle muscular dystrophy, type 2J; MUSCULAR DYSTROPHY, LIMB-GIRDLE, AUTOSOMAL RECESSIVE 10. Identifiers: Orphanet 140922, MedGen C1837342, MONDO:0012127, OMIM 608807.
Dilated cardiomyopathy 1G (CMD1G). Identifiers: Orphanet 154, MedGen C1858763, MONDO:0011400, OMIM 604145.

Allele frequency attached by ClinVar (database versions not stated): gnomAD 0.00003; ExAC 0.00011; TOPMed 0.00015; gnomAD exomes 0.00020.
gnomAD v4.1: 60 of 1,613,728 alleles (0.0037%); highest among the groups gnomAD compares: Admixed American, 0.098%; 1 homozygote.

Submissions (6):

PreventionGenetics, part of Exact Sciences
Classification: Uncertain significance for TTN-related condition. Last evaluated: 2026-05-07. Review status: criteria provided, single submitter. Criteria: ACMG Guidelines, 2015. Collection method: clinical testing. Allele origin: germline.
Comment: The TTN c.102752T>A variant is predicted to result in the amino acid substitution p.Met34251Lys. To our knowledge, this variant has not been reported in the literature. This variant is reported in 0.14% of alleles in individuals of Latino descent in gnomAD. Although we suspect that this variant may be benign, at this time, the clinical significance of this variant is uncertain due to the absence of conclusive functional and genetic evidence.

Revvity Omics, Revvity
Classification: Uncertain significance. Last evaluated: 2025-06-12. Review status: criteria provided, single submitter. Criteria: ACMG Guidelines, 2015. Collection method: clinical testing. Allele origin: germline.

ARUP Laboratories, Molecular Genetics and Genomics, ARUP Laboratories
Classification: Uncertain significance. Last evaluated: 2024-08-07. Review status: criteria provided, single submitter. Criteria: ARUP Molecular Germline Variant Investigation Process 2024. Collection method: clinical testing. Allele origin: germline.
Comment: The TTN c.102752T>A; p.Met34251Lys variant (rs750864230; ClinVar Variation ID: 466707) is rare in the general population (<0.2% allele frequency in the Genome Aggregation Database) and has not been reported in the medical literature in association with dilated cardiomyopathy (DCM) or other TTN-related disease. The clinical relevance of rare missense variants in this gene, which are identified on average once per individual sequenced in affected populations (Herman 2012), is not well understood. Yet, evidence suggests that the vast majority of such missense variants do not contribute to the clinical outcome of DCM (Begay 2015). Thus, the clinical significance of the p.Met34251Lys variant cannot be determined with certainty. References: Begay RL et al. Role of Titin Missense Variants in Dilated Cardiomyopathy. J Am Heart Assoc. 2015 Nov 13;4(11). PMID: 26567375. Herman DS et al. Truncations of titin causing dilated cardiomyopathy. N Engl J Med. 2012 Feb 16;366(7):619-28. PMID: 22335739. Linke WA and Hamdani N. Gigantic business: titin properties and function through thick and thin. Circ Res 2014; 114(6): 1052-1068. PMID: 24625729.

Mayo Clinic Laboratories, Mayo Clinic
Classification: Uncertain significance. Last evaluated: 2023-09-28. Review status: criteria provided, single submitter. Criteria: ACMG Guidelines, 2015. Collection method: clinical testing. Allele origin: germline. Observed: 1 variant allele.

Eurofins Ntd Llc (ga)
Classification: Uncertain significance. Last evaluated: 2018-07-18. Review status: criteria provided, single submitter. Criteria: EGL ClinVar v180209 classification definitions. Collection method: clinical testing. Allele origin: germline. Observed: 3 variant alleles, 3 heterozygotes.

Labcorp Genetics (formerly Invitae), Labcorp
Classification: Uncertain significance for Dilated cardiomyopathy 1G; Autosomal recessive limb-girdle muscular dystrophy type 2J. Last evaluated: 2017-05-31. Review status: criteria provided, single submitter. Criteria: Invitae Variant Classification Sherloc (09022015). Collection method: clinical testing. Allele origin: germline.

NM_001267550.2(TTN):c.102752T>A (p.Met34251Lys)

Genes: TTN (titin; minus strand), TTN-AS1 (TTN antisense RNA 1; plus strand). Cytogenetic location: 2q31.2.
Variant type: single nucleotide variant.
Coding change: c.102752T>A on transcript NM_001267550.2 (MANE Select); coding-DNA position 102752, T replaced by A.
Protein change: p.Met34251Lys; replaces methionine 34251 with lysine.
Molecular consequence: missense variant.
Genome position (GRCh38, 1-based): chr2:178,533,863, A>T on the plus strand (T>A on the coding strand, the complement: TTN is on the minus strand). VCF-style: chr2-178533863-A-T. GRCh37 (hg19) VCF-style: chr2-179398590-A-T.
Other names: p.Met32610Lys; c.97829T>A, p.Met32610Lys (NM_001256850.1); c.75557T>A, p.Met25186Lys (NM_003319.4); c.95048T>A, p.Met31683Lys (NM_133378.4); c.75932T>A, p.Met25311Lys (NM_133432.3); c.76133T>A, p.Met25378Lys (NM_133437.4); short protein forms M34251K, M31683K, M25186K, M25311K, M32610K, M25378K.
Identifiers: ClinVar variation 466707 (VCV000466707.13), dbSNP rs750864230, ClinGen allele CA1985710.
Genomic context (GRCh38, chr2:178,533,863, plus strand): 5'-ACATAAGCTGTCTTATTATAGAGAGGCAGGGTAAATTCTGGTGGCCTTTCCAGGAGTCTC[A>T]TTGTGTCTGTTCTGCGCTTAATTTTCTTCATGGTTCTACGGCAGTAATAGTCATAGACTT-3'
Protein context (NP_001254479.2, residues 34241-34261): MKKIKRRTDT[Met34251Lys]RLLERPPEFT